The following is an entry in ClinVar:

NM_177402.5(SYT2):c.160G>A (p.Glu54Lys)

Gene: SYT2 (synaptotagmin 2; minus strand). Cytogenetic location: 1q32.1.
Variant type: single nucleotide variant.
Coding change: c.160G>A on transcript NM_177402.5 (MANE Select); coding-DNA position 160, G replaced by A.
Protein change: p.Glu54Lys; replaces glutamic acid 54 with lysine.
Molecular consequence: missense variant.
Genome position (GRCh38, 1-based): chr1:202,605,613, C>T on the plus strand (G>A on the coding strand, the complement: SYT2 is on the minus strand). VCF-style: chr1-202605613-C-T. GRCh37 (hg19) VCF-style: chr1-202574741-C-T.
Other names: c.160G>A, p.Glu54Lys (NM_001136504.1); short protein forms E54K.
Identifiers: ClinVar variation 1961338 (VCV001961338.5), dbSNP rs2526996062, ClinGen allele CA344259596.

ClinVar aggregate classification (germline): Uncertain significance (1 of 4 stars; one submission).

Submission:

Labcorp Genetics (formerly Invitae), Labcorp
Classification: Uncertain significance. Last evaluated: 2022-05-12. Review status: criteria provided, single submitter. Criteria: Invitae Variant Classification Sherloc (09022015). Collection method: clinical testing. Allele origin: germline.
Comment: In summary, the available evidence is currently insufficient to determine the role of this variant in disease. Therefore, it has been classified as a Variant of Uncertain Significance. Algorithms developed to predict the effect of missense changes on protein structure and function (SIFT, PolyPhen-2, Align-GVGD) all suggest that this variant is likely to be tolerated. This variant has not been reported in the literature in individuals affected with SYT2-related conditions. This variant is not present in population databases (gnomAD no frequency). This sequence change replaces glutamic acid, which is acidic and polar, with lysine, which is basic and polar, at codon 54 of the SYT2 protein (p.Glu54Lys).